The following is an entry in ClinVar:

ClinVar aggregate classification (germline): Pathogenic (1 of 4 stars; one submission).

Conditions:
Familial rhabdoid tumours.

Submission:

Genetics Laboratory, Great Ormond Street Hospital NHS Foundation Trust, North Thames Genomic Laboratory Hub
Classification: Pathogenic for Familial rhabdoid tumours. Last evaluated: 2026-03-06. Review status: criteria provided, single submitter. Criteria: CanVIG Consensus Spec V3.0. Collection method: clinical testing. Allele origin: germline. Affected: yes.
Comment: PM2_moderate, PVS1_very-strong

NM_003073.5(SMARCB1):c.94-2A>G

Gene: SMARCB1 (SWI/SNF related BAF chromatin remodeling complex subunit B1; plus strand). Cytogenetic location: 22q11.23.
Variant type: single nucleotide variant.
Coding change: c.94-2A>G on transcript NM_003073.5 (MANE Select); the canonical splice acceptor site of the intron before coding-DNA position 94, A replaced by G.
Molecular consequence: splice acceptor variant.
Genome position (GRCh38, 1-based): chr22:23,791,754, A>G. VCF-style: chr22-23791754-A-G. GRCh37 (hg19) VCF-style: chr22-24133941-A-G.
Other names: c.94-2A>G (NM_001362877.2, NM_001317946.2, NM_001007468.3).
Identifiers: ClinVar variation 4849822 (VCV004849822.1).